The following is an entry in ClinVar:

ClinVar aggregate classification (germline): Benign/Likely benign. Review status: criteria provided, multiple submitters, no conflicts (2 of 4 stars). 4 submissions from 4 submitters: Benign (1); Likely benign (3). Last evaluated 2024-04-16.

Conditions:
Hereditary cancer-predisposing syndrome. Also called: Hereditary neoplastic syndrome; Neoplastic Syndromes, Hereditary; Tumor predisposition; Hereditary Cancer Syndrome. Identifiers: Orphanet 140162, MedGen C0027672, MeSH D009386, MONDO:0015356.
Familial cancer of breast. Also called: BREAST CANCER, FAMILIAL; Hereditary breast cancer; hereditary breast carcinoma. Identifiers: Orphanet 227535, MedGen C0346153, MONDO:0016419, OMIM 114480. Disease mechanism: loss of function.
Ataxia-telangiectasia syndrome (AT). Also called: LOUIS-BAR SYNDROME; Cerebello-oculocutaneous telangiectasia; Immunodeficiency with ataxia telangiectasia; AT, COMPLEMENTATION GROUP C; Ataxia-telangiectasia, complementation group D; ATAXIA-TELANGIECTASIA, COMPLEMENTATION GROUP A. Identifiers: Orphanet 100, MedGen C0004135, MONDO:0008840, OMIM 208900.

Allele frequency attached by ClinVar (database versions not stated): gnomAD exomes below 0.00001; TOPMed below 0.00001.
gnomAD v4.1: 3 of 1,613,634 alleles (0.00019%); highest among the groups gnomAD compares: Non-Finnish European, 0.00025%; no homozygotes.

Submissions (4):

Myriad Genetics, Inc.
Classification: Benign for Familial cancer of breast. Last evaluated: 2024-04-16. Review status: criteria provided, single submitter. Criteria: Myriad Autosomal Dominant, Autosomal Recessive and X-Linked Classification Criteria (2023). Collection method: clinical testing. Allele origin: unknown.
Comment: This variant is considered benign. This variant is a silent/synonymous amino acid change and it is not expected to impact splicing.

Labcorp Genetics (formerly Invitae), Labcorp
Classification: Likely benign for Ataxia-telangiectasia syndrome. Last evaluated: 2023-01-14. Review status: criteria provided, single submitter. Criteria: Invitae Variant Classification Sherloc (09022015). Collection method: clinical testing. Allele origin: germline.

Department of Pathology and Laboratory Medicine, Sinai Health System
Classification: Likely benign for Familial cancer of breast. Last evaluated: 2021-04-13. Review status: criteria provided, single submitter. Criteria: ACMG Guidelines, 2015. Collection method: clinical testing. Allele origin: germline. Affected: yes.

Ambry Genetics
Classification: Likely benign for Hereditary cancer-predisposing syndrome. Last evaluated: 2017-02-14. Review status: criteria provided, single submitter. Criteria: Ambry Variant Classification Scheme 2023. Collection method: clinical testing. Allele origin: germline.

NM_000051.4(ATM):c.24G>A (p.Leu8=)

Gene: ATM (ATM serine/threonine kinase; plus strand). Cytogenetic location: 11q22.3.
Variant type: single nucleotide variant.
Coding change: c.24G>A on transcript NM_000051.4 (MANE Select); coding-DNA position 24, G replaced by A.
Protein change: p.Leu8=; no amino-acid change (leucine 8 retained).
Molecular consequence: synonymous variant.
Genome position (GRCh38, 1-based): chr11:108,227,648, G>A. VCF-style: chr11-108227648-G-A. GRCh37 (hg19) VCF-style: chr11-108098375-G-A.
Other names: c.24G>A, p.Leu8= (NM_001351834.2, NM_001351835.2, NM_001351836.2).
Identifiers: ClinVar variation 482689 (VCV000482689.16), dbSNP rs1555053888, ClinGen allele CA476667955.